The following is an entry in ClinVar:

NM_004281.4(BAG3):c.662C>T (p.Ala221Val)

Gene: BAG3 (BAG cochaperone 3; plus strand). Cytogenetic location: 10q26.11.
Variant type: single nucleotide variant.
Coding change: c.662C>T on transcript NM_004281.4 (MANE Select); coding-DNA position 662, C replaced by T.
Protein change: p.Ala221Val; replaces alanine 221 with valine.
Molecular consequence: missense variant.
Genome position (GRCh38, 1-based): chr10:119,672,409, C>T. VCF-style: chr10-119672409-C-T. GRCh37 (hg19) VCF-style: chr10-121431921-C-T.
Other names: short protein forms A221V.
Identifiers: ClinVar variation 3223777 (VCV003223777.1), dbSNP rs2494013926, ClinGen allele CA378295536.

ClinVar aggregate classification (germline): Uncertain significance (1 of 4 stars; one submission).

Conditions:
Cardiovascular phenotype. Identifiers: MedGen CN230736.

Allele frequency attached by ClinVar (database versions not stated): gnomAD exomes below 0.00001.
gnomAD v4.1: 1 of 1,614,200 alleles (0.000062%); highest among the groups gnomAD compares: Non-Finnish European, 0.000085%; no homozygotes.

Submission:

Ambry Genetics
Classification: Uncertain significance for Cardiovascular phenotype. Last evaluated: 2023-01-16. Review status: criteria provided, single submitter. Criteria: Ambry Variant Classification Scheme 2023. Collection method: clinical testing. Allele origin: germline.
Comment: The p.A221V variant (also known as c.662C>T), located in coding exon 3 of the BAG3 gene, results from a C to T substitution at nucleotide position 662. The alanine at codon 221 is replaced by valine, an amino acid with similar properties. This amino acid position is conserved. In addition, the in silico prediction for this alteration is inconclusive. Since supporting evidence is limited at this time, the clinical significance of this alteration remains unclear.